The following is an entry in ClinVar:

ClinVar aggregate classification (germline): Pathogenic. Review status: criteria provided, multiple submitters, no conflicts (2 of 4 stars). 13 submissions from 13 submitters: Pathogenic (11). 2 of the submissions do not count toward it. Last evaluated 2026-06-25.

Conditions:
EYS-related disorder. Also called: EYS-related condition.
Retinitis pigmentosa (RP). Identifiers: Orphanet 791, MedGen C0035334, MeSH D012174, MONDO:0019200, OMIM 268000. Inheritance: Autosomal dominant, autosomal recessive and X linked inheritance.
Retinal dystrophy. Also called: Inherited retinal dystrophy. Identifiers: Orphanet 71862, MedGen C0854723, MeSH D058499, MONDO:0019118, HP:0000556.
Retinitis pigmentosa 25 (RP25). Identifiers: Orphanet 791, MedGen C1864446, MONDO:0011272, OMIM 602772.

Allele frequency attached by ClinVar (database versions not stated): ExAC 0.00010; TOPMed 0.00010; gnomAD 0.00011 and 0.00012; gnomAD exomes 0.00012 and 0.00018.
gnomAD v4.1: 278 of 1,611,960 alleles (0.017%); highest among the groups gnomAD compares: Non-Finnish European, 0.022%; no homozygotes.

Submissions (13):

PreventionGenetics, part of Exact Sciences
Classification: Pathogenic for EYS-related condition. Last evaluated: 2026-06-25. Review status: criteria provided, single submitter. Criteria: ACMG Guidelines, 2015. Collection method: clinical testing. Allele origin: germline.
Comment: The EYS c.1673G>A variant is predicted to result in premature protein termination (p.Trp558*). This variant has been reported many times in individuals with retinitis pigmentosa (see for examples: Littink et al. 2010. PubMed ID: 20537394; Pierrache et al. 2019. PubMed ID: 31074760; Weisschuh et al. 2023. PubMed ID: 37734845). This variant is present in 0.024% of alleles in individuals of European (Non-Finnish) descent in gnomAD. Nonsense variants in EYS are an established mechanism of disease. This variant is interpreted as pathogenic.

Labcorp Genetics (formerly Invitae), Labcorp
Classification: Pathogenic. Last evaluated: 2026-01-05. Review status: criteria provided, single submitter. Criteria: Invitae Variant Classification Sherloc (09022015). Collection method: clinical testing. Allele origin: germline.
Comment: This sequence change creates a premature translational stop signal (p.Trp558*) in the EYS gene. It is expected to result in an absent or disrupted protein product. Loss-of-function variants in EYS are known to be pathogenic (PMID: 18836446, 20333770). This variant is present in population databases (rs201823777, gnomAD 0.02%). This premature translational stop signal has been observed in individual(s) with retinitis pigmentosa (PMID: 20333770, 20537394). In at least one individual the data is consistent with being in trans (on the opposite chromosome) from a pathogenic variant. ClinVar contains an entry for this variant (Variation ID: 522342). For these reasons, this variant has been classified as Pathogenic.

Women's Health and Genetics/Laboratory Corporation of America, LabCorp
Classification: Pathogenic for Retinitis pigmentosa. Last evaluated: 2025-10-21. Review status: criteria provided, single submitter. Criteria: LabCorp Variant Classification Summary - May 2015. Collection method: clinical testing. Allele origin: germline.
Comment: Variant summary: EYS c.1673G>A (p.Trp558X) results in a premature termination codon, predicted to cause a truncation of the encoded protein or absence of the protein due to nonsense mediated decay, which are commonly known mechanisms for disease. The variant allele was found at a frequency of 0.00012 in 250184 control chromosomes. This frequency is not significantly higher than estimated for disease-causing variants in EYS, allowing no conclusion about variant significance. c.1673G>A has been observed in individual(s) affected with Retinitis Pigmentosa (example: Weisschuh_2020). These data indicate that the variant may be associated with disease. The following publication has been ascertained in the context of this evaluation (PMID: 32531858). ClinVar contains an entry for this variant (Variation ID: 522342). Based on the evidence outlined above, the variant was classified as pathogenic.

Natera, Inc.
Classification: Pathogenic for Retinitis pigmentosa type 25. Last evaluated: 2025-08-11. Review status: criteria provided, single submitter. Criteria: Natera Variant Classification Schema (03/2026). Collection method: clinical testing. Allele origin: germline.
Comment: The c.1673G>A variant in EYS is a nonsense variant predicted to introduce a stop codon at amino acid 558. This variant is expected to result in nonsense mediated decay, truncation, or a dysfunctional protein product. This variant is rare in the general population with a frequency below the threshold expected for the associated phenotype(s). This variant has been observed in one or more individuals affected with the associated recessive disease, as either homozygous or compound heterozygous with a second variant (PMID: 20537394). Given the available evidence, this variant is classified as Pathogenic.

Blueprint Genetics
Classification: Pathogenic for EYS-related disorders. Last evaluated: 2024-10-30. Review status: criteria provided, single submitter. Criteria: ACMG Guidelines, 2015. Collection method: clinical testing. Allele origin: germline. Affected: yes. Observed: 5 variant alleles.

Fulgent Genetics
Classification: Pathogenic for Retinitis pigmentosa 25. Last evaluated: 2024-04-23. Review status: criteria provided, single submitter. Criteria: ACMG Guidelines, 2015. Collection method: clinical testing. Allele origin: germline.

Revvity Omics, Revvity
Classification: Pathogenic for Retinitis pigmentosa 25. Last evaluated: 2022-02-03. Review status: criteria provided, single submitter. Criteria: ACMG Guidelines, 2015. Collection method: clinical testing. Allele origin: germline.

GeneDx
Classification: Pathogenic. Last evaluated: 2021-03-10. Review status: criteria provided, single submitter. Criteria: GeneDx Variant Classification Process June 2021. Collection method: clinical testing. Allele origin: germline. Affected: yes.
Comment: Nonsense variant predicted to result in protein truncation or nonsense mediated decay in a gene for which loss-of-function is a known mechanism of disease; This variant is associated with the following publications: (PMID: 31574917, 31963847, 20333770, 26103963, 20537394, 25525159, 31074760, 32032261)

Institute of Human Genetics, Univ. Regensburg, Univ. Regensburg
Classification: Pathogenic for Retinal dystrophy. Last evaluated: 2021-01-01. Review status: criteria provided, single submitter. Criteria: ACMG Guidelines, 2015. Collection method: clinical testing. Allele origin: germline. Affected: yes.

Institute of Medical Genetics and Applied Genomics, University Hospital Tübingen
Classification: Pathogenic. Last evaluated: 2020-10-23. Review status: criteria provided, single submitter. Criteria: ACMG Guidelines, 2015. Collection method: clinical testing. Allele origin: germline. Inheritance: Autosomal recessive inheritance. Affected: yes.

Clinical Genetics DNA and cytogenetics Diagnostics Lab, Erasmus MC, Erasmus Medical Center
Classification: Pathogenic for Retinitis pigmentosa 25. Last evaluated: 2015-11-23. Review status: criteria provided, single submitter. Criteria: ACGS Guidelines, 2013. Collection method: clinical testing. Allele origin: germline. Affected: yes. Study: VKGL Data-share Consensus.

Clinical Genetics, Academic Medical Center
Classification: Pathogenic. Review status: no assertion criteria provided. Collection method: clinical testing. Allele origin: germline. Affected: yes. Study: VKGL Data-share Consensus. Not counted in ClinVar's aggregate classification.

Genome Diagnostics Laboratory, Amsterdam University Medical Center
Classification: Pathogenic. Review status: no assertion criteria provided. Collection method: clinical testing. Allele origin: germline. Affected: yes. Study: VKGL Data-share Consensus. Not counted in ClinVar's aggregate classification.

Literature cited by the submitters: PubMed 18836446 (cited by Labcorp Genetics (formerly Invitae), Labcorp); PubMed 20333770 (cited by Labcorp Genetics (formerly Invitae), Labcorp); PubMed 20537394 (cited by 3 submitters); PubMed 32531858 (cited by Women's Health and Genetics/Laboratory Corporation of America, LabCorp and Institute of Human Genetics, Univ. Regensburg, Univ. Regensburg); PubMed 25525159 (cited by Institute of Human Genetics, Univ. Regensburg, Univ. Regensburg); PubMed 31074760 (cited by Institute of Human Genetics, Univ. Regensburg, Univ. Regensburg); PubMed 31964843 (cited by Institute of Human Genetics, Univ. Regensburg, Univ. Regensburg); PubMed 32037395 (cited by Institute of Human Genetics, Univ. Regensburg, Univ. Regensburg).

NM_001142800.2(EYS):c.1673G>A (p.Trp558Ter)

Gene: EYS (EGF-like photoreceptor maintenance factor; minus strand). Cytogenetic location: 6q12.
Variant type: single nucleotide variant.
Coding change: c.1673G>A on transcript NM_001142800.2 (MANE Select); coding-DNA position 1673, G replaced by A.
Protein change: p.Trp558Ter; replaces tryptophan 558 with a stop codon.
Molecular consequence: nonsense.
Genome position (GRCh38, 1-based): chr6:65,335,073, C>T on the plus strand (G>A on the coding strand, the complement: EYS is on the minus strand). VCF-style: chr6-65335073-C-T. GRCh37 (hg19) VCF-style: chr6-66044966-C-T.
Other names: c.1673G>A, p.Trp558Ter (NM_001142801.2, NM_001292009.2, NM_198283.2); short protein forms W558*.
Identifiers: ClinVar variation 522342 (VCV000522342.29), dbSNP rs201823777, ClinGen allele CA3877649.
Genomic context (GRCh38, chr6:65,335,073, plus strand): 5'-TCATGTTGACACTCATTTTCTTGATCATCAGTTGTATTTTCCAGATACATGTTGCCAGCC[C>T]ATCTGAGAAAACATAGATACCGATATTCCTGACTGTCTTCTTCACTCAAACAACTGCATC-3'